The following is an entry in ClinVar:

NM_006231.4(POLE):c.4993T>A (p.Ser1665Thr)

Gene: POLE (DNA polymerase epsilon, catalytic subunit; minus strand). Cytogenetic location: 12q24.33.
Variant type: single nucleotide variant.
Coding change: c.4993T>A on transcript NM_006231.4 (MANE Select); coding-DNA position 4993, T replaced by A.
Protein change: p.Ser1665Thr; replaces serine 1665 with threonine.
Molecular consequence: missense variant.
Genome position (GRCh38, 1-based): chr12:132,642,357, A>T on the plus strand (T>A on the coding strand, the complement: POLE is on the minus strand). VCF-style: chr12-132642357-A-T. GRCh37 (hg19) VCF-style: chr12-133218943-A-T.
Other names: c.4993T>A (NM_006231.2); short protein forms S1665T.
Identifiers: ClinVar variation 852823 (VCV000852823.11), dbSNP rs1477996766, ClinGen allele CA387377498.
Genomic context (GRCh38, chr12:132,642,357, plus strand): 5'-AGAGCAGGTGGTTGTGGCGCTGGAGGTGGCGGGCAAAGAAGAGGTCGGAGCCGAATGTGG[A>T]GATGTCCTCTGGTAGGTTCCCAATGGGAATGTGAAAGTACCTGCACCAGGGCACAGGTCA-3'
Protein context (NP_006222.2, residues 1655-1675): IPIGNLPEDI[Ser1665Thr]TFGSDLFFAR

ClinVar aggregate classification (germline): Uncertain significance. Review status: criteria provided, multiple submitters, no conflicts (2 of 4 stars). 2 submissions from 2 submitters: Uncertain significance (2). Last evaluated 2025-12-06.

Conditions:
Hereditary cancer-predisposing syndrome. Also called: Neoplastic Syndromes, Hereditary; Hereditary Cancer Syndrome; Tumor predisposition; Hereditary neoplastic syndrome. Identifiers: Orphanet 140162, MedGen C0027672, MeSH D009386, MONDO:0015356.

Allele frequency attached by ClinVar (database versions not stated): gnomAD exomes below 0.00001; TOPMed below 0.00001.
gnomAD v4.1: 1 of 1,587,130 alleles (0.000063%); highest among the groups gnomAD compares: Non-Finnish European, 0.000086%; no homozygotes.

Submissions (2):

Ambry Genetics
Classification: Uncertain significance for Hereditary cancer-predisposing syndrome. Last evaluated: 2025-12-06. Review status: criteria provided, single submitter. Criteria: Ambry Variant Classification Scheme 2023. Collection method: clinical testing. Allele origin: germline.
Comment: The p.S1665T variant (also known as c.4993T>A), located in coding exon 38 of the POLE gene, results from a T to A substitution at nucleotide position 4993. The serine at codon 1665 is replaced by threonine, an amino acid with similar properties. This amino acid position is conserved. In addition, the in silico prediction for this alteration is inconclusive. Since supporting evidence is limited at this time, the clinical significance of this alteration remains unclear.

Labcorp Genetics (formerly Invitae), Labcorp
Classification: Uncertain significance. Last evaluated: 2025-08-19. Review status: criteria provided, single submitter. Criteria: Invitae Variant Classification Sherloc (09022015). Collection method: clinical testing. Allele origin: germline.
Comment: This sequence change replaces serine, which is neutral and polar, with threonine, which is neutral and polar, at codon 1665 of the POLE protein (p.Ser1665Thr). This variant is present in population databases (no rsID available, gnomAD 0.001%). This variant has not been reported in the literature in individuals affected with POLE-related conditions. ClinVar contains an entry for this variant (Variation ID: 852823). Invitae Evidence Modeling of protein sequence and biophysical properties (such as structural, functional, and spatial information, amino acid conservation, physicochemical variation, residue mobility, and thermodynamic stability) indicates that this missense variant is not expected to disrupt POLE protein function with a negative predictive value of 80%. In summary, the available evidence is currently insufficient to determine the role of this variant in disease. Therefore, it has been classified as a Variant of Uncertain Significance.